The following is an entry in ClinVar:

ClinVar aggregate classification (germline): Uncertain significance (1 of 4 stars; one submission).

Submission:

Labcorp Genetics (formerly Invitae), Labcorp
Classification: Uncertain significance. Last evaluated: 2025-01-19. Review status: criteria provided, single submitter. Criteria: Invitae Variant Classification Sherloc (09022015). Collection method: clinical testing. Allele origin: germline.
Comment: This sequence change falls in intron 22 of the OPA1 gene. It does not directly change the encoded amino acid sequence of the OPA1 protein. It affects a nucleotide within the consensus splice site. This variant is not present in population databases (gnomAD no frequency). This variant has not been reported in the literature in individuals affected with OPA1-related conditions. Variants that disrupt the consensus splice site are a relatively common cause of aberrant splicing (PMID: 17576681, 9536098). Algorithms developed to predict the effect of sequence changes on RNA splicing suggest that this variant may disrupt the consensus splice site. In summary, the available evidence is currently insufficient to determine the role of this variant in disease. Therefore, it has been classified as a Variant of Uncertain Significance.

Literature cited by the submitters: PubMed 17576681; PubMed 9536098.

NM_130837.3(OPA1):c.2440+3A>G

Gene: OPA1 (OPA1 mitochondrial dynamin like GTPase; plus strand). Cytogenetic location: 3q29.
Variant type: single nucleotide variant.
Coding change: c.2440+3A>G on transcript NM_130837.3 (MANE Select); 3 bases into the intron after coding-DNA position 2440, A replaced by G.
Molecular consequence: intron variant.
Genome position (GRCh38, 1-based): chr3:193,658,998, A>G. VCF-style: chr3-193658998-A-G. GRCh37 (hg19) VCF-style: chr3-193376787-A-G.
Other names: c.1903+3A>G (NM_001354664.2); c.1906+3A>G (NM_001354663.2); c.2329+3A>G (NM_130834.3); c.2386+3A>G (NM_130836.3); c.2275+3A>G (NM_015560.3); c.2332+3A>G (NM_130835.3); c.2221+3A>G (NM_130832.3); c.2278+3A>G (NM_130833.3); and 1 more.
Identifiers: ClinVar variation 3729224 (VCV003729224.2).